The following is an entry in ClinVar:

NM_005359.6(SMAD4):c.524A>G (p.Glu175Gly)

Gene: SMAD4 (SMAD family member 4; plus strand). Cytogenetic location: 18q21.2.
Variant type: single nucleotide variant.
Coding change: c.524A>G on transcript NM_005359.6 (MANE Select); coding-DNA position 524, A replaced by G.
Protein change: p.Glu175Gly; replaces glutamic acid 175 with glycine.
Molecular consequence: missense variant. On other transcripts: non-coding transcript variant (2).
Genome position (GRCh38, 1-based): chr18:51,054,850, A>G. VCF-style: chr18-51054850-A-G. GRCh37 (hg19) VCF-style: chr18-48581220-A-G.
Other names: c.524A>G, p.Glu175Gly (NM_001407041.1, NM_001407042.1, NM_001407043.1); short protein forms E175G.
Identifiers: ClinVar variation 3072158 (VCV003072158.1), dbSNP rs2144418452, ClinGen allele CA402460813.

ClinVar aggregate classification (germline): Uncertain significance (1 of 4 stars; one submission).

Conditions:
Juvenile polyposis/hereditary hemorrhagic telangiectasia syndrome (JPHT). Also called: Juvenile Polyposis Syndrome / Hereditary Hemorrhagic Telangiectasia (JPS/HHT); JP/HHT SYNDROME; JUVENILE POLYPOSIS WITH HEREDITARY HEMORRHAGIC TELANGIECTASIA; POLYPOSIS, GENERALIZED JUVENILE, WITH PULMONARY ARTERIOVENOUS MALFORMATION; TELANGIECTASIA, HEREDITARY HEMORRHAGIC, WITH JUVENILE POLYPOSIS COLI. Identifiers: Orphanet 2929, MedGen C1832942, MONDO:0008278, OMIM 175050.

Submission:

All of Us Research Program, National Institutes of Health
Classification: Uncertain significance for Juvenile polyposis/hereditary hemorrhagic telangiectasia syndrome. Last evaluated: 2023-07-10. Review status: criteria provided, single submitter. Criteria: ACMG Guidelines, 2015. Collection method: clinical testing. Allele origin: germline. Inheritance: Autosomal dominant inheritance. Observed: 2 variant alleles, 2 heterozygotes.
Comment: This missense variant replaces glutamic acid with glycine at codon 175 of the SMAD4 protein. Computational prediction suggests that this variant may not impact protein structure and function (internally defined REVEL score threshold <= 0.5, PMID: 27666373). To our knowledge, functional studies have not been reported for this variant. This variant has not been reported in individuals affected with SMAD4-related disorders in the literature. This variant has not been identified in the general population by the Genome Aggregation Database (gnomAD). The available evidence is insufficient to determine the role of this variant in disease conclusively. Therefore, this variant is classified as a Variant of Uncertain Significance.

This study involves interpretation of variants in research participants for the purpose of population health screening. Participant phenotype was not available at the time of variant classification. Additional details can be found in publication PMID: 35346344, PMCID: PMC8962531